The following is an entry in ClinVar:

NM_020975.6(RET):c.2566T>G (p.Trp856Gly)

Gene: RET (ret proto-oncogene; plus strand). Cytogenetic location: 10q11.21.
Variant type: single nucleotide variant.
Coding change: c.2566T>G on transcript NM_020975.6 (MANE Select); coding-DNA position 2566, T replaced by G.
Protein change: p.Trp856Gly; replaces tryptophan 856 with glycine.
Molecular consequence: missense variant.
Genome position (GRCh38, 1-based): chr10:43,119,704, T>G. VCF-style: chr10-43119704-T-G. GRCh37 (hg19) VCF-style: chr10-43615152-T-G.
Other names: c.2566T>G, p.Trp856Gly (NM_000323.2, NM_001406743.1, NM_001406744.1 and 4 more transcripts); c.1804T>G, p.Trp602Gly (NM_001355216.2); c.2437T>G, p.Trp813Gly (NM_001406761.1, NM_001406762.1, NM_001406764.1); c.2431T>G, p.Trp811Gly (NM_001406763.1, NM_001406765.1); c.2278T>G, p.Trp760Gly (NM_001406766.1, NM_001406767.1, NM_001406770.1); c.2302T>G, p.Trp768Gly (NM_001406768.1); c.2170T>G, p.Trp724Gly (NM_001406769.1, NM_001406772.1); c.2128T>G, p.Trp710Gly (NM_001406771.1, NM_001406773.1); and 10 more; short protein forms W856G, W602G, W421G, W517G, W526G, W813G, W373G, W512G.
Identifiers: ClinVar variation 1421734 (VCV001421734.11), dbSNP rs1838163811, ClinGen allele CA376556625.
Genomic context (GRCh38, chr10:43,119,704, plus strand): 5'-AGCTCCCTGGACCACCCGGATGAGCGGGCCCTCACCATGGGCGACCTCATCTCATTTGCC[T>G]GGCAGATCTCACAGGGGATGCAGTATCTGGCCGAGATGAAGGTGCGTGCATATGGCTCTG-3'
Protein context (NP_066124.1, residues 846-866): LTMGDLISFA[Trp856Gly]QISQGMQYLA

ClinVar aggregate classification (germline): Uncertain significance. Review status: criteria provided, multiple submitters, no conflicts (2 of 4 stars). 3 submissions from 3 submitters: Uncertain significance (3). Last evaluated 2025-01-31.

Conditions:
Hirschsprung disease, susceptibility to, 1 (HSCR1). Also called: RET-Related Hirschsprung Disease. Identifiers: Orphanet 388, MedGen C3888239, MONDO:0007723, OMIM 142623.
Hereditary cancer-predisposing syndrome. Also called: Neoplastic Syndromes, Hereditary; Hereditary Cancer Syndrome; Hereditary neoplastic syndrome; Tumor predisposition. Identifiers: Orphanet 140162, MedGen C0027672, MeSH D009386, MONDO:0015356.
Multiple endocrine neoplasia, type 2 (MEN2). Identifiers: Orphanet 653, MedGen C4048306, MONDO:0019003. Disease mechanism: gain of function.

Allele frequency attached by ClinVar (database versions not stated): TOPMed below 0.00001.
gnomAD v4.1: 1 of 1,613,524 alleles (0.000062%); highest among the groups gnomAD compares: African/African-American, 0.0013%; no homozygotes.

Submissions (3):

Ambry Genetics
Classification: Uncertain significance for Hereditary cancer-predisposing syndrome. Last evaluated: 2025-01-31. Review status: criteria provided, single submitter. Criteria: Ambry Variant Classification Scheme 2023. Collection method: clinical testing. Allele origin: germline.
Comment: The p.W856G variant (also known as c.2566T>G), located in coding exon 14 of the RET gene, results from a T to G substitution at nucleotide position 2566. The tryptophan at codon 856 is replaced by glycine, an amino acid with highly dissimilar properties. This amino acid position is highly conserved in available vertebrate species. In addition, this alteration is predicted to be deleterious by in silico analysis. Since supporting evidence is limited at this time, the clinical significance of this alteration remains unclear.

Baylor Genetics
Classification: Uncertain significance for Hirschsprung disease, susceptibility to, 1. Last evaluated: 2023-08-10. Review status: criteria provided, single submitter. Criteria: ACMG Guidelines, 2015. Collection method: clinical testing. Allele origin: unknown.

Labcorp Genetics (formerly Invitae), Labcorp
Classification: Uncertain significance for Multiple endocrine neoplasia, type 2. Last evaluated: 2022-07-20. Review status: criteria provided, single submitter. Criteria: Invitae Variant Classification Sherloc (09022015). Collection method: clinical testing. Allele origin: germline.
Comment: This sequence change replaces tryptophan, which is neutral and slightly polar, with glycine, which is neutral and non-polar, at codon 856 of the RET protein (p.Trp856Gly). This variant is not present in population databases (gnomAD no frequency). This variant has not been reported in the literature in individuals affected with RET-related conditions. ClinVar contains an entry for this variant (Variation ID: 1421734). Algorithms developed to predict the effect of missense changes on protein structure and function are either unavailable or do not agree on the potential impact of this missense change (SIFT: "Deleterious"; PolyPhen-2: "Probably Damaging"; Align-GVGD: "Class C0"). In summary, the available evidence is currently insufficient to determine the role of this variant in disease. Therefore, it has been classified as a Variant of Uncertain Significance.